The following is an entry in ClinVar:

NM_152383.5(DIS3L2):c.2407C>A (p.Arg803=)

Gene: DIS3L2 (DIS3 like 3'-5' exoribonuclease 2; plus strand). Cytogenetic location: 2q37.1.
Variant type: single nucleotide variant.
Coding change: c.2407C>A on transcript NM_152383.5 (MANE Select); coding-DNA position 2407, C replaced by A.
Protein change: p.Arg803=; no amino-acid change (arginine 803 retained).
Molecular consequence: synonymous variant. On other transcripts: non-coding transcript variant (2), intron variant (1).
Genome position (GRCh38, 1-based): chr2:232,335,785, C>A. VCF-style: chr2-232335785-C-A. GRCh37 (hg19) VCF-style: chr2-233200495-C-A.
Other names: c.1582-7560C>A (NM_001257281.2).
Identifiers: ClinVar variation 1137652 (VCV001137652.11), dbSNP rs866926882, ClinGen allele CA431780803.

ClinVar aggregate classification (germline): Likely benign. Review status: criteria provided, multiple submitters, no conflicts (2 of 4 stars). 2 submissions from 2 submitters: Likely benign (2). Last evaluated 2026-05-01.

Conditions:
Perlman syndrome (PRLMNS). Identifiers: Orphanet 2849, MedGen C0796113, MONDO:0009965, OMIM 267000.

gnomAD v4.1: 1 of 1,550,494 alleles (0.000064%); highest among the groups gnomAD compares: Admixed American, 0.002%; no homozygotes.

Submissions (2):

CeGaT Center for Human Genetics Tuebingen
Classification: Likely benign. Last evaluated: 2026-05-01. Review status: criteria provided, single submitter. Criteria: CeGaT Center For Human Genetics Tuebingen Variant Classification Criteria Version 2. Collection method: clinical testing. Allele origin: germline. Affected: yes. Observed: 1 variant allele.
Comment: DIS3L2: BP4, BP7

Labcorp Genetics (formerly Invitae), Labcorp
Classification: Likely benign for Perlman syndrome. Last evaluated: 2025-07-30. Review status: criteria provided, single submitter. Criteria: Invitae Variant Classification Sherloc (09022015). Collection method: clinical testing. Allele origin: germline.